The following is an entry in ClinVar:

NM_000051.4(ATM):c.3035_3038dup (p.Asp1013fs)

Gene: ATM (ATM serine/threonine kinase; plus strand). Cytogenetic location: 11q22.3.
Variant type: Duplication.
Coding change: c.3035_3038dup on transcript NM_000051.4 (MANE Select); coding-DNA positions 3035 to 3038, 4 bases duplicated (GGGA; older notation c.3035_3038dupGGGA).
Protein change: p.Asp1013fs; shifts the reading frame from aspartic acid 1013.
Molecular consequence: frameshift variant.
Genome position (GRCh38, 1-based): chr11:108,271,364-108,271,367, GGGA duplicated; duplicating any 4 consecutive bases within chr11:108,271,363-108,271,367 gives the same sequence; the c. name uses the placement nearest the transcript's 3' end. VCF-style (leftmost placement, unchanged base first): chr11-108271362-A-AAGGG. GRCh37 (hg19) VCF-style: chr11-108142089-A-AAGGG.
Other names: c.3035_3038dup, p.Asp1013fs (NM_001351834.2); short protein forms D1013fs.
Identifiers: ClinVar variation 3148408 (VCV003148408.1), dbSNP rs2497690296, ClinGen allele CA2825001821.
Genomic context (GRCh38, chr11:108,271,362, plus strand): 5'-AAACCATGTCCTTCATGTAGTGAAAAACCTAGGTCAAAGCAATATGGACTCTGAGAACAC[A>AAGGG]AGGGATGCTCAAGGACAGTTTCTTACAGTAATTGGAGCATTTTGGTAGGTACAGTCTATT-3'

ClinVar aggregate classification (germline): Pathogenic (1 of 4 stars; one submission).

Conditions:
Familial cancer of breast. Also called: BREAST CANCER, FAMILIAL; Hereditary breast cancer; hereditary breast carcinoma. Identifiers: Orphanet 227535, MedGen C0346153, MONDO:0016419, OMIM 114480. Disease mechanism: loss of function.

Submission:

Myriad Genetics, Inc.
Classification: Pathogenic for Familial cancer of breast. Last evaluated: 2024-01-18. Review status: criteria provided, single submitter. Criteria: Myriad Autosomal Dominant, Autosomal Recessive and X-Linked Classification Criteria (2023). Collection method: clinical testing. Allele origin: unknown.
Comment: This variant is considered pathogenic. This variant creates a frameshift predicted to result in premature protein truncation.